The following is an entry in ClinVar:

NM_000089.4(COL1A2):c.775G>T (p.Gly259Cys)

Gene: COL1A2 (collagen type I alpha 2 chain; plus strand). Cytogenetic location: 7q21.3.
Variant type: single nucleotide variant.
Coding change: c.775G>T on transcript NM_000089.4 (MANE Select); coding-DNA position 775, G replaced by T.
Protein change: p.Gly259Cys; replaces glycine 259 with cysteine.
Molecular consequence: missense variant.
Genome position (GRCh38, 1-based): chr7:94,408,806, G>T. VCF-style: chr7-94408806-G-T. GRCh37 (hg19) VCF-style: chr7-94038118-G-T.
Other names: short protein forms G259C.
Identifiers: ClinVar variation 17247 (VCV000017247.4), dbSNP rs121912905, ClinGen allele CA257765.

ClinVar aggregate classification (germline): Pathogenic. Review status: criteria provided, single submitter (1 of 4 stars). 2 submissions from 2 submitters: Pathogenic (1). 1 of the submissions does not count toward it. Last evaluated 2024-04-10.

Conditions:
Ehlers-Danlos syndrome, classic type, 1 (EDSCL1). Also called: Ehlers-Danlos Syndrome, Classic Type, COL5A1-Related; EDS I; Ehlers-Danlos syndrome, type 1; EHLERS-DANLOS SYNDROME, GRAVIS TYPE; EHLERS-DANLOS SYNDROME, SEVERE CLASSIC TYPE. Identifiers: MedGen C0268335, MONDO:0019567, OMIM 130000.
Osteogenesis imperfecta type I (OI1). Also called: Lobstein disease; Classic Non-deforming Osteogenesis Imperfecta with Blue Sclerae; OI, TYPE I; OSTEOGENESIS IMPERFECTA TARDA; OSTEOGENESIS IMPERFECTA WITH BLUE SCLERAE; Osteogenesis imperfecta type 1. Identifiers: Orphanet 216796, Orphanet 666, MedGen C0023931, MONDO:0008146, OMIM 166200. Disease mechanism: loss of function.
Osteogenesis imperfecta type III (OI3). Also called: Osteogenesis imperfecta type 3; OI type 3; Osteogenesis imperfecta, progressively deforming with normal sclerae; OI type III; Progressively Deforming Osteogenesis Imperfecta. Identifiers: Orphanet 216812, Orphanet 666, MedGen C0268362, MONDO:0009804, OMIM 259420.

Submissions (2):

Labcorp Genetics (formerly Invitae), Labcorp
Classification: Pathogenic for Osteogenesis imperfecta type I; Ehlers-Danlos syndrome, classic type, 1. Last evaluated: 2024-04-10. Review status: criteria provided, single submitter. Criteria: Invitae Variant Classification Sherloc (09022015). Collection method: clinical testing. Allele origin: germline.
Comment: This sequence change replaces glycine, which is neutral and non-polar, with cysteine, which is neutral and slightly polar, at codon 259 of the COL1A2 protein (p.Gly259Cys). This variant is not present in population databases (gnomAD no frequency). This missense change has been observed in individual(s) with autosomal dominant osteogenesis imperfecta (PMID: 1990009). ClinVar contains an entry for this variant (Variation ID: 17247). Advanced modeling of protein sequence and biophysical properties (such as structural, functional, and spatial information, amino acid conservation, physicochemical variation, residue mobility, and thermodynamic stability) performed at Invitae indicates that this missense variant is expected to disrupt COL1A2 protein function with a positive predictive value of 95%. This variant disrupts the triple helix domain of COL1A2. Glycine residues within the Gly-Xaa-Yaa repeats of the triple helix domain are required for the structure and stability of fibrillar collagens (PMID: 7695699, 8218237, 19344236). In COL1A2, variants affecting these glycine residues are significantly enriched in individuals with disease (PMID: 9016532, 17078022) compared to the general population (ExAC). This variant disrupts the p.Gly259 amino acid residue in COL1A2. Other variant(s) that disrupt this residue have been observed in individuals with COL1A2-related conditions (PMID: 16786509, 17078022), which suggests that this may be a clinically significant amino acid residue. For these reasons, this variant has been classified as Pathogenic.

OMIM
Classification: Pathogenic for OSTEOGENESIS IMPERFECTA, TYPE III. Last evaluated: 2017-12-21. Review status: no assertion criteria provided. Collection method: literature only. Allele origin: germline. Not counted in ClinVar's aggregate classification.

Literature cited by the submitters: PubMed 1990009 (cited by Labcorp Genetics (formerly Invitae), Labcorp); PubMed 7695699 (cited by Labcorp Genetics (formerly Invitae), Labcorp); PubMed 8218237 (cited by Labcorp Genetics (formerly Invitae), Labcorp); PubMed 19344236 (cited by Labcorp Genetics (formerly Invitae), Labcorp); PubMed 9016532 (cited by Labcorp Genetics (formerly Invitae), Labcorp); PubMed 17078022 (cited by Labcorp Genetics (formerly Invitae), Labcorp); PubMed 16786509 (cited by Labcorp Genetics (formerly Invitae), Labcorp); Byers, P. H., Barsh, G. S., Rowe, D. W., Peterson, K. E., Holbrook, K. A., Shapiro, J. Biochemical heterogeneity in osteogenesis imperfecta. (Abstract) Am. J. Hum. Genet. 32: 37A-only, 1980. (cited by OMIM); Wenstrup, R., Shrago, A., Phillips, C., Byers, P., Cohn, D. Osteogenesis imperfecta type IV: analysis for mutations in alpha-2(I) chains of type I collagen by alpha-2(I)-specific cDNA synthesis and polymerase chain reaction. Ann. N.Y. Acad. Sci. 580: 546-548, 1990. (cited by OMIM).